The following is an entry in ClinVar:

NM_201384.3(PLEC):c.1977+6C>T

Gene: PLEC (plectin; minus strand). Cytogenetic location: 8q24.3.
Variant type: single nucleotide variant.
Coding change: c.1977+6C>T on transcript NM_201384.3 (MANE Select); 6 bases into the intron after coding-DNA position 1977, C replaced by T.
Molecular consequence: intron variant.
Genome position (GRCh38, 1-based): chr8:143,932,394, G>A on the plus strand (C>T on the coding strand, the complement: PLEC is on the minus strand). VCF-style: chr8-143932394-G-A. GRCh37 (hg19) VCF-style: chr8-145006562-G-A.
Other names: c.2058+6C>T (NM_000445.5); c.1935+6C>T (NM_201378.4); c.1911+6C>T (NM_201379.3); c.2388+6C>T (NM_201380.4); c.1881+6C>T (NM_201381.3); c.1977+6C>T (NM_201382.4); c.1989+6C>T (NM_201383.3).
Identifiers: ClinVar variation 2059650 (VCV002059650.5), dbSNP rs370828233, ClinGen allele CA4927765.

ClinVar aggregate classification (germline): Conflicting classifications of pathogenicity. Review status: criteria provided, conflicting classifications (1 of 4 stars). 2 submissions from 2 submitters: Uncertain significance (1); Likely benign (1). Last evaluated 2023-11-13.

Conditions:
Epidermolysis bullosa simplex, Ogna type (EBS5A). Also called: Pidermolysis bullosa simplex 5A, Ogna type; EPIDERMOLYSIS BULLOSA SIMPLEX 5A, OGNA TYPE. Identifiers: Orphanet 79401, MedGen C0432317, MONDO:0007555, OMIM 131950.
Epidermolysis bullosa simplex 5C, with pyloric atresia (EBS5C). Also called: PLEC-Related Epidermolysis Bullosa with Pyloric Atresia; Epidermolysis bullosa simplex with pyloric atresia; PLEC1-Related Epidermolysis Bullosa with Pyloric Atresia. Identifiers: Orphanet 158684, MedGen C2677349, MONDO:0012807, OMIM 612138.
Epidermolysis bullosa simplex 5B, with muscular dystrophy (EBS5B). Also called: EPIDERMOLYSIS BULLOSA SIMPLEX AND LIMB-GIRDLE MUSCULAR DYSTROPHY; Epidermolysis bullosa simplex with muscular dystrophy. Identifiers: Orphanet 257, MedGen C2931072, MONDO:0009181, OMIM 226670.
Autosomal recessive limb-girdle muscular dystrophy type 2Q (LGMDR17). Also called: MUSCULAR DYSTROPHY, LIMB-GIRDLE, AUTOSOMAL RECESSIVE 17. Identifiers: Orphanet 254361, MedGen C3150989, MONDO:0013390, OMIM 613723.
Epidermolysis bullosa simplex with nail dystrophy (EBS5D). Identifiers: MedGen C4225309, MONDO:0014661, OMIM 616487.

Allele frequency attached by ClinVar (database versions not stated): gnomAD 0.00001; gnomAD exomes 0.00002; TOPMed 0.00002; ExAC 0.00003; ESP Exome Variant Server 0.00008.
gnomAD v4.1: 30 of 1,612,480 alleles (0.0019%); highest among the groups gnomAD compares: South Asian, 0.0022%; no homozygotes.

Submissions (2):

Labcorp Genetics (formerly Invitae), Labcorp
Classification: Uncertain significance for Autosomal recessive limb-girdle muscular dystrophy type 2Q; Epidermolysis bullosa simplex, Ogna type; Epidermolysis bullosa simplex with nail dystrophy; Epidermolysis bullosa simplex 5C, with pyloric atresia; Epidermolysis bullosa simplex 5B, with muscular dystrophy. Last evaluated: 2023-11-13. Review status: criteria provided, single submitter. Criteria: Invitae Variant Classification Sherloc (09022015). Collection method: clinical testing. Allele origin: germline.
Comment: This sequence change falls in intron 17 of the PLEC gene. It does not directly change the encoded amino acid sequence of the PLEC protein. It affects a nucleotide within the consensus splice site. This variant is present in population databases (rs370828233, gnomAD 0.007%). This variant has not been reported in the literature in individuals affected with PLEC-related conditions. ClinVar contains an entry for this variant (Variation ID: 2059650). Variants that disrupt the consensus splice site are a relatively common cause of aberrant splicing (PMID: 17576681, 9536098). Algorithms developed to predict the effect of sequence changes on RNA splicing suggest that this variant is not likely to affect RNA splicing. In summary, the available evidence is currently insufficient to determine the role of this variant in disease. Therefore, it has been classified as a Variant of Uncertain Significance.

Blueprint Genetics
Classification: Likely benign. Last evaluated: 2023-04-21. Review status: criteria provided, single submitter. Criteria: ACMG Guidelines, 2015. Collection method: clinical testing. Allele origin: germline.

Literature cited by the submitters: PubMed 17576681 (cited by Labcorp Genetics (formerly Invitae), Labcorp); PubMed 9536098 (cited by Labcorp Genetics (formerly Invitae), Labcorp).